The following is an entry in ClinVar:

ClinVar aggregate classification (germline): Benign/Likely benign. Review status: criteria provided, multiple submitters, no conflicts (2 of 4 stars). 5 submissions from 5 submitters: Benign (1); Likely benign (3). 1 of the submissions does not count toward it. Last evaluated 2025-12-06.

Conditions:
SRA1-related disorder. Also called: SRA1-related condition.

Allele frequency attached by ClinVar (database versions not stated): ESP Exome Variant Server 0.00054; gnomAD exomes 0.00054 and 0.00084; gnomAD 0.00066 and 0.00067; TOPMed 0.00072; ExAC 0.00078.
gnomAD v4.1: 958 of 1,614,068 alleles (0.059%); highest among the groups gnomAD compares: Middle Eastern, 1.3%; 4 homozygotes.

Submissions (5):

Labcorp Genetics (formerly Invitae), Labcorp
Classification: Benign. Last evaluated: 2025-12-06. Review status: criteria provided, single submitter. Criteria: Invitae Variant Classification Sherloc (09022015). Collection method: clinical testing. Allele origin: germline.

CeGaT Center for Human Genetics Tuebingen
Classification: Likely benign. Last evaluated: 2022-05-01. Review status: criteria provided, single submitter. Criteria: CeGaT Center For Human Genetics Tuebingen Variant Classification Criteria Version 2. Collection method: clinical testing. Allele origin: germline. Affected: yes. Observed: 1 variant allele.
Comment: SRA1: BS2

Dubai Health Genomic Medicine Center, Dubai Health
Classification: Likely benign. Last evaluated: 2019-12-29. Review status: criteria provided, single submitter. Criteria: ACMG Guidelines, 2015. Collection method: clinical testing. Allele origin: germline. Affected: yes.

Breakthrough Genomics
Classification: Likely benign. Review status: criteria provided, single submitter. Criteria: ACMG Guidelines, 2015. Collection method: not provided. Allele origin: germline. Inheritance: Unknown mechanism. Affected: yes.

PreventionGenetics, part of Exact Sciences
Classification: Likely benign for SRA1-related condition. Last evaluated: 2020-09-11. Review status: no assertion criteria provided. Collection method: clinical testing. Allele origin: germline. Not counted in ClinVar's aggregate classification.
Comment: This variant is classified as likely benign based on ACMG/AMP sequence variant interpretation guidelines (Richards et al. 2015 PMID: 25741868, with internal and published modifications).

NM_001035235.4(SRA1):c.500T>C (p.Ile167Thr)

Gene: SRA1 (steroid receptor RNA activator 1; minus strand). Cytogenetic location: 5q31.3.
Variant type: single nucleotide variant.
Coding change: c.500T>C on transcript NM_001035235.4 (MANE Select); coding-DNA position 500, T replaced by C.
Protein change: p.Ile167Thr; replaces isoleucine 167 with threonine.
Molecular consequence: missense variant. On other transcripts: non-coding transcript variant (2).
Genome position (GRCh38, 1-based): chr5:140,550,875, A>G on the plus strand (T>C on the coding strand, the complement: SRA1 is on the minus strand). VCF-style: chr5-140550875-A-G. GRCh37 (hg19) VCF-style: chr5-139930460-A-G.
Other names: c.452T>C, p.Ile151Thr (NM_001253764.2); c.536T>C (NM_001035235.3); short protein forms I151T, I167T.
Identifiers: ClinVar variation 1301591 (VCV001301591.39), dbSNP rs148108594, ClinGen allele CA3440502.
Genomic context (GRCh38, chr5:140,550,875, plus strand): 5'-TTAACTCCTACCATCCACTGACTGACCTCAGTCACATGGTCAACCATGAGGGAGCGGTGG[A>G]TGTCATCTGCTGCGTCCCACCGGTGGCTTGAAAGCTCTGAAGAGAGACGGGGGTTGAGCA-3'
Protein context (NP_001030312.3, residues 157-177): SSHRWDAADD[Ile167Thr]HRSLMVDHVT